The following is an entry in ClinVar:

ClinVar aggregate classification (germline): Uncertain significance (1 of 4 stars; one submission).

Conditions:
Early-infantile DEE. Also called: Ohtahara syndrome; Early infantile epileptic encephalopathy with suppression bursts; Early infantile epileptic encephalopathy. Identifiers: Orphanet 1934, MedGen C0393706, MONDO:0800491.

Submission:

Labcorp Genetics (formerly Invitae), Labcorp
Classification: Uncertain significance for Early-infantile DEE. Last evaluated: 2024-06-14. Review status: criteria provided, single submitter. Criteria: Invitae Variant Classification Sherloc (09022015). Collection method: clinical testing. Allele origin: germline.
Comment: This sequence change replaces tyrosine, which is neutral and polar, with serine, which is neutral and polar, at codon 400 of the KCNH5 protein (p.Tyr400Ser). This variant is not present in population databases (gnomAD no frequency). This variant has not been reported in the literature in individuals affected with KCNH5-related conditions. Advanced modeling of protein sequence and biophysical properties (such as structural, functional, and spatial information, amino acid conservation, physicochemical variation, residue mobility, and thermodynamic stability) performed at Invitae indicates that this missense variant is expected to disrupt KCNH5 protein function with a positive predictive value of 95%. In summary, the available evidence is currently insufficient to determine the role of this variant in disease. Therefore, it has been classified as a Variant of Uncertain Significance.

NM_139318.5(KCNH5):c.1199A>C (p.Tyr400Ser)

Gene: KCNH5 (potassium voltage-gated channel subfamily H member 5; minus strand). Cytogenetic location: 14q23.2.
Variant type: single nucleotide variant.
Coding change: c.1199A>C on transcript NM_139318.5 (MANE Select); coding-DNA position 1199, A replaced by C.
Protein change: p.Tyr400Ser; replaces tyrosine 400 with serine.
Molecular consequence: missense variant.
Genome position (GRCh38, 1-based): chr14:62,950,303, T>G on the plus strand (A>C on the coding strand, the complement: KCNH5 is on the minus strand). VCF-style: chr14-62950303-T-G. GRCh37 (hg19) VCF-style: chr14-63417021-T-G.
Other names: c.1199A>C, p.Tyr400Ser (NM_172375.3); short protein forms Y400S.
Identifiers: ClinVar variation 3672344 (VCV003672344.2).